The following is an entry in ClinVar:

ClinVar aggregate classification (germline): Uncertain significance (1 of 4 stars; one submission).

Submission:

GeneDx
Classification: Uncertain significance. Last evaluated: 2022-03-22. Review status: criteria provided, single submitter. Criteria: GeneDx Variant Classification Process June 2021. Collection method: clinical testing. Allele origin: germline. Affected: yes.
Comment: Not observed at significant frequency in large population cohorts (gnomAD); In silico analysis supports that this missense variant does not alter protein structure/function; Has not been previously published as pathogenic or benign to our knowledge

NM_024757.5(EHMT1):c.298G>C (p.Asp100His)

Gene: EHMT1 (euchromatic histone lysine methyltransferase 1; plus strand). Cytogenetic location: 9q34.3.
Variant type: single nucleotide variant.
Coding change: c.298G>C on transcript NM_024757.5 (MANE Select); coding-DNA position 298, G replaced by C.
Protein change: p.Asp100His; replaces aspartic acid 100 with histidine.
Molecular consequence: missense variant.
Genome position (GRCh38, 1-based): chr9:137,716,838, G>C. VCF-style: chr9-137716838-G-C. GRCh37 (hg19) VCF-style: chr9-140611290-G-C.
Other names: c.205G>C, p.Asp69His (NM_001354259.2, NM_001354612.2); c.298G>C, p.Asp100His (NM_001354263.2, NM_001354611.2, NM_001145527.2); short protein forms D100H, D69H.
Identifiers: ClinVar variation 1675275 (VCV001675275.2), dbSNP rs540121859, ClinGen allele CA375764215.